The following is an entry in ClinVar:

ClinVar aggregate classification (germline): Uncertain significance (1 of 4 stars; one submission).

Conditions:
Developmental and epileptic encephalopathy, 47 (DEE47). Also called: Epileptic encephalopathy, early infantile, 47. Identifiers: MedGen C4310685, MONDO:0014949, OMIM 617166.

Submission:

MVZ Medizinische Genetik Mainz
Classification: Uncertain significance for Developmental and epileptic encephalopathy, 47. Last evaluated: 2025-11-06. Review status: criteria provided, single submitter. Criteria: UK Practice Guidelines For Variant Classification V4 01 2020. Collection method: clinical testing. Allele origin: germline. Inheritance: Autosomal dominant inheritance. Affected: yes. Observed: 1 variant allele.
Comment: ACMG Criteria: PP3_STR,PM2_SUP

NM_004113.6(FGF12):c.281A>G (p.Tyr94Cys)

Gene: FGF12 (fibroblast growth factor 12; minus strand). Cytogenetic location: 3q28.
Variant type: single nucleotide variant.
Coding change: c.281A>G on transcript NM_004113.6 (MANE Select); coding-DNA position 281, A replaced by G.
Protein change: p.Tyr94Cys; replaces tyrosine 94 with cysteine.
Molecular consequence: missense variant.
Genome position (GRCh38, 1-based): chr3:192,170,604, T>C on the plus strand (A>G on the coding strand, the complement: FGF12 is on the minus strand). VCF-style: chr3-192170604-T-C. GRCh37 (hg19) VCF-style: chr3-191888393-T-C.
Other names: c.170A>G, p.Tyr57Cys (NM_001377292.1); c.209A>G, p.Tyr70Cys (NM_001377293.1, NM_001377294.1); c.467A>G, p.Tyr156Cys (NM_021032.5); short protein forms Y156C, Y57C, Y70C, Y94C.
Identifiers: ClinVar variation 4532209 (VCV004532209.1).